The following is an entry in ClinVar:

NM_152626.4(ZNF92):c.1399A>G (p.Thr467Ala)

Gene: ZNF92 (zinc finger protein 92; plus strand). Cytogenetic location: 7q11.21.
Variant type: single nucleotide variant.
Coding change: c.1399A>G on transcript NM_152626.4 (MANE Select); coding-DNA position 1399, A replaced by G.
Protein change: p.Thr467Ala; replaces threonine 467 with alanine.
Molecular consequence: missense variant.
Genome position (GRCh38, 1-based): chr7:65,399,513, A>G. VCF-style: chr7-65399513-A-G. GRCh37 (hg19) VCF-style: chr7-64864426-A-G.
Other names: NC_000007.13:g.64864426A>G; c.1303A>G, p.Thr435Ala (NM_001287532.2); c.1171A>G, p.Thr391Ala (NM_001287533.2, NM_001287534.2); c.1192A>G, p.Thr398Ala (NM_007139.4); short protein forms T391A, T398A, T435A, T467A.
Identifiers: ClinVar variation 3387893 (VCV003387893.15).

ClinVar aggregate classification (germline): Likely benign (1 of 4 stars; one submission).

gnomAD v4.1: 4,517 of 1,613,406 alleles (0.28%); highest among the groups gnomAD compares: Non-Finnish European, 0.24%; 43 homozygotes.

Submissions (2):

CeGaT Center for Human Genetics Tuebingen
Classification: Likely benign. Last evaluated: 2024-09-01. Review status: criteria provided, single submitter. Criteria: CeGaT Center For Human Genetics Tuebingen Variant Classification Criteria Version 2. Collection method: clinical testing. Allele origin: germline. Affected: yes. Observed: 1 variant allele.
Comment: ZNF92: BP4, BS2

Dr. Peter K. Rogan Lab, Western University
No classification provided (evidence only). Condition: Malignant tumor of urinary bladder. Review status: no classification provided. Collection method: in vitro. Allele origin: not applicable. Functional consequence: retained intron. Not counted in ClinVar's aggregate classification.